The following is an entry in ClinVar:

ClinVar aggregate classification (germline): Uncertain significance (1 of 4 stars; one submission).

Conditions:
Norman-Roberts syndrome (LIS2). Also called: Lissencephaly 2 (Norman-Roberts type). Identifiers: Orphanet 89844, MedGen C0796089, MONDO:0009760, OMIM 257320.
Familial temporal lobe epilepsy 7. Identifiers: Orphanet 101046, MedGen C4225327, MONDO:0014639, OMIM 616436.

Allele frequency attached by ClinVar (database versions not stated): TOPMed 0.00001.
gnomAD v4.1: 1 of 1,613,514 alleles (0.000062%); highest among the groups gnomAD compares: Non-Finnish European, 0.000085%; no homozygotes.

Submission:

Labcorp Genetics (formerly Invitae), Labcorp
Classification: Uncertain significance for Familial temporal lobe epilepsy 7; Norman-Roberts syndrome. Last evaluated: 2022-06-20. Review status: criteria provided, single submitter. Criteria: Invitae Variant Classification Sherloc (09022015). Collection method: clinical testing. Allele origin: germline.
Comment: In summary, the available evidence is currently insufficient to determine the role of this variant in disease. Therefore, it has been classified as a Variant of Uncertain Significance. Algorithms developed to predict the effect of missense changes on protein structure and function are either unavailable or do not agree on the potential impact of this missense change (SIFT: "Deleterious"; PolyPhen-2: "Benign"; Align-GVGD: "Class C0"). This variant has not been reported in the literature in individuals affected with RELN-related conditions. This variant is not present in population databases (gnomAD no frequency). This sequence change replaces threonine, which is neutral and polar, with alanine, which is neutral and non-polar, at codon 1273 of the RELN protein (p.Thr1273Ala).

NM_005045.4(RELN):c.3817A>G (p.Thr1273Ala)

Gene: RELN (reelin; minus strand). Cytogenetic location: 7q22.1.
Variant type: single nucleotide variant.
Coding change: c.3817A>G on transcript NM_005045.4 (MANE Select); coding-DNA position 3817, A replaced by G.
Protein change: p.Thr1273Ala; replaces threonine 1273 with alanine.
Molecular consequence: missense variant.
Genome position (GRCh38, 1-based): chr7:103,593,777, T>C on the plus strand (A>G on the coding strand, the complement: RELN is on the minus strand). VCF-style: chr7-103593777-T-C. GRCh37 (hg19) VCF-style: chr7-103234224-T-C.
Other names: c.3817A>G, p.Thr1273Ala (NM_173054.3); short protein forms T1273A.
Identifiers: ClinVar variation 1354854 (VCV001354854.8), dbSNP rs1831475227, ClinGen allele CA368757286.